The following is an entry in ClinVar:

ClinVar aggregate classification (germline): Uncertain significance (1 of 4 stars; one submission).

Conditions:
Nemaline myopathy 5 (NEM5A). Also called: Nemaline myopathy 5, Amish type; NEMALINE MYOPATHY, AMISH TYPE; NEMALINE MYOPATHY 5A, AUTOSOMAL RECESSIVE, SEVERE INFANTILE. Identifiers: Orphanet 98902, MedGen C1854380, MONDO:0011539, OMIM 605355.

Allele frequency attached by ClinVar (database versions not stated): TOPMed below 0.00001; gnomAD exomes 0.00001; ExAC 0.00002.
gnomAD v4.1: 17 of 1,605,126 alleles (0.0011%); highest among the groups gnomAD compares: Middle Eastern, 0.017%; no homozygotes.

Submission:

Labcorp Genetics (formerly Invitae), Labcorp
Classification: Uncertain significance for Nemaline myopathy 5. Last evaluated: 2023-11-27. Review status: criteria provided, single submitter. Criteria: Invitae Variant Classification Sherloc (09022015). Collection method: clinical testing. Allele origin: germline.
Comment: This sequence change replaces arginine, which is basic and polar, with cysteine, which is neutral and slightly polar, at codon 189 of the TNNT1 protein (p.Arg189Cys). This variant is present in population databases (rs780429876, gnomAD 0.005%). This variant has not been reported in the literature in individuals affected with TNNT1-related conditions. ClinVar contains an entry for this variant (Variation ID: 1350666). Advanced modeling of protein sequence and biophysical properties (such as structural, functional, and spatial information, amino acid conservation, physicochemical variation, residue mobility, and thermodynamic stability) performed at Invitae indicates that this missense variant is expected to disrupt TNNT1 protein function with a positive predictive value of 80%. In summary, the available evidence is currently insufficient to determine the role of this variant in disease. Therefore, it has been classified as a Variant of Uncertain Significance.

NM_003283.6(TNNT1):c.565C>T (p.Arg189Cys)

Gene: TNNT1 (troponin T1, slow skeletal type; minus strand). Cytogenetic location: 19q13.42.
Variant type: single nucleotide variant.
Coding change: c.565C>T on transcript NM_003283.6 (MANE Select); coding-DNA position 565, C replaced by T.
Protein change: p.Arg189Cys; replaces arginine 189 with cysteine.
Molecular consequence: missense variant.
Genome position (GRCh38, 1-based): chr19:55,137,149, G>A on the plus strand (C>T on the coding strand, the complement: TNNT1 is on the minus strand). VCF-style: chr19-55137149-G-A. GRCh37 (hg19) VCF-style: chr19-55648517-G-A.
Other names: c.565C>T, p.Arg189Cys (NM_001126132.3); c.532C>T, p.Arg178Cys (NM_001126133.3, NM_001291774.2); short protein forms R189C, R178C.
Identifiers: ClinVar variation 1350666 (VCV001350666.6), dbSNP rs780429876, ClinGen allele CA9667367.